The following is an entry in ClinVar:

ClinVar aggregate classification (germline): Uncertain significance. Review status: criteria provided, multiple submitters, no conflicts (2 of 4 stars). 3 submissions from 3 submitters: Uncertain significance (3). Last evaluated 2023-11-28.

Conditions:
Nephrolithiasis/nephrocalcinosis. Identifiers: MedGen CN580796.
Familial hypocalciuric hypercalcemia (FHH). Also called: Familial benign hypercalcemia. Identifiers: Orphanet 405, MedGen C1809471, MONDO:0018458.
Autosomal dominant hypocalcemia 1 (HYPOC1). Also called: HYPOCALCEMIA, FAMILIAL. Identifiers: MedGen C3715128, MONDO:0011013, OMIM 601198.

Submissions (3):

Women's Health and Genetics/Laboratory Corporation of America, LabCorp
Classification: Uncertain significance. Last evaluated: 2023-11-28. Review status: criteria provided, single submitter. Criteria: LabCorp Variant Classification Summary - May 2015. Collection method: clinical testing. Allele origin: germline.
Comment: Variant summary: CASR c.614G>T (p.Arg205Leu) results in a non-conservative amino acid change located in the ligand binding region (IPR001828) of the encoded protein sequence. Three of five in-silico tools predict a damaging effect of the variant on protein function. The variant was absent in 251006 control chromosomes (gnomAD). The available data on variant occurrences in the general population are insufficient to allow any conclusion about variant significance. To our knowledge, no occurrence of c.614G>T in individuals affected with Autosomal Dominant Hypocalcemia or other CASR-related disorders and no experimental evidence demonstrating its impact on protein function have been reported. Two submitters have cited clinical-significance assessments for this variant to ClinVar after 2014. Both submitters classified the variant as uncertain significance. Based on the evidence outlined above, the variant was classified as uncertain significance.

Labcorp Genetics (formerly Invitae), Labcorp
Classification: Uncertain significance for Familial hypocalciuric hypercalcemia; Autosomal dominant hypocalcemia 1. Last evaluated: 2022-08-08. Review status: criteria provided, single submitter. Criteria: Invitae Variant Classification Sherloc (09022015). Collection method: clinical testing. Allele origin: germline.
Comment: In summary, the available evidence is currently insufficient to determine the role of this variant in disease. Therefore, it has been classified as a Variant of Uncertain Significance. Algorithms developed to predict the effect of missense changes on protein structure and function are either unavailable or do not agree on the potential impact of this missense change (SIFT: "Deleterious"; PolyPhen-2: "Benign"; Align-GVGD: "Class C25"). This sequence change replaces arginine, which is basic and polar, with leucine, which is neutral and non-polar, at codon 205 of the CASR protein (p.Arg205Leu). This variant is not present in population databases (gnomAD no frequency). This variant has not been reported in the literature in individuals affected with CASR-related conditions. ClinVar contains an entry for this variant (Variation ID: 1172863).

Ambry Genetics
Classification: Uncertain significance for Nephrolithiasis/nephrocalcinosis. Last evaluated: 2022-04-05. Review status: criteria provided, single submitter. Criteria: Ambry Variant Classification Scheme 2023. Collection method: clinical testing. Allele origin: germline.
Comment: The p.R205L variant (also known as c.614G>T), located in coding exon 3 of the CASR gene, results from a G to T substitution at nucleotide position 614. The arginine at codon 205 is replaced by leucine, an amino acid with dissimilar properties. This amino acid position is conserved. In addition, the in silico prediction for this alteration is inconclusive. Since supporting evidence is limited at this time, the clinical significance of this alteration remains unclear.

NM_000388.4(CASR):c.614G>T (p.Arg205Leu)

Gene: CASR (calcium sensing receptor; plus strand). Cytogenetic location: 3q21.1.
Variant type: single nucleotide variant.
Coding change: c.614G>T on transcript NM_000388.4 (MANE Select); coding-DNA position 614, G replaced by T.
Protein change: p.Arg205Leu; replaces arginine 205 with leucine.
Molecular consequence: missense variant.
Genome position (GRCh38, 1-based): chr3:122,261,649, G>T. VCF-style: chr3-122261649-G-T. GRCh37 (hg19) VCF-style: chr3-121980496-G-T.
Other names: c.614G>T, p.Arg205Leu (NM_001178065.2); short protein forms R205L.
Identifiers: ClinVar variation 1172863 (VCV001172863.9), dbSNP rs763162046, ClinGen allele CA354150970.